The following is an entry in ClinVar:

ClinVar aggregate classification (germline): Likely pathogenic (1 of 4 stars; one submission).

Conditions:
Inborn genetic diseases. Identifiers: MedGen C0950123, MeSH D030342.

Submission:

Ambry Genetics
Classification: Likely pathogenic for Inborn genetic diseases. Last evaluated: 2018-09-28. Review status: criteria provided, single submitter. Criteria: Ambry Variant Classification Scheme 2023. Collection method: clinical testing. Allele origin: germline.
Comment: The c.2730+1G>C intronic variant results from a G to C substitution one nucleotide after coding exon 12 of the CHD8 gene. This nucleotide position is highly conserved in available vertebrate species. Using the BDGP and ESEfinder splice site prediction tools, this alteration is predicted to abolish the native splice donor site; however, direct evidence is unavailable. Alterations that disrupt the canonical splice site are expected to cause aberrant splicing, resulting in an abnormal protein or a transcript that is subject to nonsense-mediated mRNA decay. As such, this alteration is classified as likely pathogenic.

NM_001170629.2(CHD8):c.2730+1G>C

Gene: CHD8 (chromodomain helicase DNA binding protein 8; minus strand). Cytogenetic location: 14q11.2.
Variant type: single nucleotide variant.
Coding change: c.2730+1G>C on transcript NM_001170629.2 (MANE Select); the canonical splice donor site of the intron after coding-DNA position 2730, G replaced by C.
Molecular consequence: splice donor variant.
Genome position (GRCh38, 1-based): chr14:21,408,311, C>G on the plus strand (G>C on the coding strand, the complement: CHD8 is on the minus strand). VCF-style: chr14-21408311-C-G. GRCh37 (hg19) VCF-style: chr14-21876470-C-G.
Other names: c.1893+1G>C (NM_020920.4).
Identifiers: ClinVar variation 1795289 (VCV001795289.2), dbSNP rs2501923179, ClinGen allele CA388874454.